The following is an entry in ClinVar:

NM_000093.5(COL5A1):c.364G>A (p.Glu122Lys)

Gene: COL5A1 (collagen type V alpha 1 chain; plus strand). Cytogenetic location: 9q34.3.
Variant type: single nucleotide variant.
Coding change: c.364G>A on transcript NM_000093.5 (MANE Select); coding-DNA position 364, G replaced by A.
Protein change: p.Glu122Lys; replaces glutamic acid 122 with lysine.
Molecular consequence: missense variant.
Genome position (GRCh38, 1-based): chr9:134,699,995, G>A. VCF-style: chr9-134699995-G-A. GRCh37 (hg19) VCF-style: chr9-137591841-G-A.
Other names: c.364G>A, p.Glu122Lys (NM_001278074.1); short protein forms E122K.
Identifiers: ClinVar variation 2724686 (VCV002724686.1), dbSNP rs1588448757, ClinGen allele CA375442804.

ClinVar aggregate classification (germline): Uncertain significance (1 of 4 stars; one submission).

Conditions:
Ehlers-Danlos syndrome, classic type, 1 (EDSCL1). Also called: EHLERS-DANLOS SYNDROME, GRAVIS TYPE; EHLERS-DANLOS SYNDROME, SEVERE CLASSIC TYPE; Ehlers-Danlos syndrome, type 1; Ehlers-Danlos Syndrome, Classic Type, COL5A1-Related; EDS I. Identifiers: MedGen C0268335, MONDO:0019567, OMIM 130000.

Allele frequency attached by ClinVar (database versions not stated): gnomAD 0.00001.
gnomAD v4.1: 1 of 1,613,698 alleles (0.000062%); no homozygotes.

Submission:

Labcorp Genetics (formerly Invitae), Labcorp
Classification: Uncertain significance for Ehlers-Danlos syndrome, classic type, 1. Last evaluated: 2022-12-04. Review status: criteria provided, single submitter. Criteria: Invitae Variant Classification Sherloc (09022015). Collection method: clinical testing. Allele origin: germline.
Comment: In summary, the available evidence is currently insufficient to determine the role of this variant in disease. Therefore, it has been classified as a Variant of Uncertain Significance. Advanced modeling of protein sequence and biophysical properties (such as structural, functional, and spatial information, amino acid conservation, physicochemical variation, residue mobility, and thermodynamic stability) performed at Invitae indicates that this missense variant is not expected to disrupt COL5A1 protein function. This variant has not been reported in the literature in individuals affected with COL5A1-related conditions. This variant is not present in population databases (gnomAD no frequency). This sequence change replaces glutamic acid, which is acidic and polar, with lysine, which is basic and polar, at codon 122 of the COL5A1 protein (p.Glu122Lys).